The following is an entry in ClinVar:

ClinVar aggregate classification (germline): Uncertain significance (1 of 4 stars; one submission).

Conditions:
Cardiovascular phenotype. Identifiers: MedGen CN230736.

Allele frequency attached by ClinVar (database versions not stated): gnomAD 0.00001; gnomAD exomes 0.00001; ExAC 0.00002.
gnomAD v4.1: 15 of 1,613,742 alleles (0.00093%); highest among the groups gnomAD compares: East Asian, 0.0022%; no homozygotes.

Submission:

Ambry Genetics
Classification: Uncertain significance for Cardiovascular phenotype. Last evaluated: 2021-08-12. Review status: criteria provided, single submitter. Criteria: Ambry Variant Classification Scheme 2023. Collection method: clinical testing. Allele origin: germline.
Comment: The p.R631Q variant (also known as c.1892G>A), located in coding exon 12 of the EPHB4 gene, results from a G to A substitution at nucleotide position 1892. The arginine at codon 631 is replaced by glutamine, an amino acid with highly similar properties. This amino acid position is conserved. In addition, this alteration is predicted to be deleterious by in silico analysis. Since supporting evidence is limited at this time, the clinical significance of this alteration remains unclear.

NM_004444.5(EPHB4):c.1892G>A (p.Arg631Gln)

Gene: EPHB4 (EPH receptor B4; minus strand). Cytogenetic location: 7q22.1.
Variant type: single nucleotide variant.
Coding change: c.1892G>A on transcript NM_004444.5 (MANE Select); coding-DNA position 1892, G replaced by A.
Protein change: p.Arg631Gln; replaces arginine 631 with glutamine.
Molecular consequence: missense variant.
Genome position (GRCh38, 1-based): chr7:100,812,973, C>T on the plus strand (G>A on the coding strand, the complement: EPHB4 is on the minus strand). VCF-style: chr7-100812973-C-T. GRCh37 (hg19) VCF-style: chr7-100410595-C-T.
Other names: short protein forms R631Q.
Identifiers: ClinVar variation 1782096 (VCV001782096.2), dbSNP rs758888214, ClinGen allele CA4392779.